The following is an entry in ClinVar:

ClinVar aggregate classification (germline): Uncertain significance (1 of 4 stars; one submission).

Allele frequency attached by ClinVar (database versions not stated): ExAC 0.00001; gnomAD 0.00001; TOPMed 0.00001; gnomAD exomes 0.00004.
gnomAD v4.1: 36 of 1,150,111 alleles (0.0031%); highest among the groups gnomAD compares: Non-Finnish European, 0.0043%; no homozygotes.

Submission:

Labcorp Genetics (formerly Invitae), Labcorp
Classification: Uncertain significance. Last evaluated: 2023-10-13. Review status: criteria provided, single submitter. Criteria: Invitae Variant Classification Sherloc (09022015). Collection method: clinical testing. Allele origin: germline.
Comment: This sequence change falls in intron 11 of the FRMD7 gene. It does not directly change the encoded amino acid sequence of the FRMD7 protein. It affects a nucleotide within the consensus splice site. This variant is present in population databases (rs758009021, gnomAD 0.001%). This variant has not been reported in the literature in individuals affected with FRMD7-related conditions. ClinVar contains an entry for this variant (Variation ID: 1925879). Variants that disrupt the consensus splice site are a relatively common cause of aberrant splicing (PMID: 17576681, 9536098). Algorithms developed to predict the effect of sequence changes on RNA splicing suggest that this variant is not likely to affect RNA splicing. In summary, the available evidence is currently insufficient to determine the role of this variant in disease. Therefore, it has been classified as a Variant of Uncertain Significance.

Literature cited by the submitters: PubMed 17576681; PubMed 9536098.

NM_194277.3(FRMD7):c.1050+6G>C

Gene: FRMD7 (FERM domain containing 7; minus strand). Cytogenetic location: Xq26.2.
Variant type: single nucleotide variant.
Coding change: c.1050+6G>C on transcript NM_194277.3 (MANE Select); 6 bases into the intron after coding-DNA position 1050, G replaced by C.
Molecular consequence: intron variant.
Genome position (GRCh38, 1-based): chrX:132,080,000, C>G on the plus strand (G>C on the coding strand, the complement: FRMD7 is on the minus strand). VCF-style: chrX-132080000-C-G. GRCh37 (hg19) VCF-style: chrX-131214028-C-G.
Other names: c.1005+6G>C (NM_001306193.2).
Identifiers: ClinVar variation 1925879 (VCV001925879.5), dbSNP rs758009021, ClinGen allele CA10518916.